The following is an entry in ClinVar:

NM_014806.5(RUSC2):c.95G>A (p.Gly32Glu)

Gene: RUSC2 (RUN and SH3 domain containing 2; plus strand). Cytogenetic location: 9p13.3.
Variant type: single nucleotide variant.
Coding change: c.95G>A on transcript NM_014806.5 (MANE Select); coding-DNA position 95, G replaced by A.
Protein change: p.Gly32Glu; replaces glycine 32 with glutamic acid.
Molecular consequence: missense variant. On other transcripts: non-coding transcript variant (1), intron variant (1).
Genome position (GRCh38, 1-based): chr9:35,546,616, G>A. VCF-style: chr9-35546616-G-A. GRCh37 (hg19) VCF-style: chr9-35546613-G-A.
Other names: c.95G>A, p.Gly32Glu (NM_001135999.2); c.-620-8444G>A (NM_001330740.2); short protein forms G32E.
Identifiers: ClinVar variation 1387034 (VCV001387034.6), dbSNP rs2132550795, ClinGen allele CA373325793.
Genomic context (GRCh38, chr9:35,546,616, plus strand): 5'-TCATCGTTCATCACATCCCCCTGGTGCACTGCCAAGTCCCAGACAGGCAGTGCTGTGGAG[G>A]GGCAGGTGGAGGTGGTGGGAGCACAAGACCTAATCCCTTCTGCCCACCTGAGCTGGGCAT-3'
Protein context (NP_055621.2, residues 22-42): CQVPDRQCCG[Gly32Glu]AGGGGGSTRP

ClinVar aggregate classification (germline): Uncertain significance (1 of 4 stars; one submission).

Allele frequency attached by ClinVar (database versions not stated): gnomAD exomes below 0.00001.
gnomAD v4.1: 5 of 1,557,924 alleles (0.00032%); highest among the groups gnomAD compares: Non-Finnish European, 0.00043%; no homozygotes.

Submission:

Labcorp Genetics (formerly Invitae), Labcorp
Classification: Uncertain significance. Last evaluated: 2022-08-23. Review status: criteria provided, single submitter. Criteria: Invitae Variant Classification Sherloc (09022015). Collection method: clinical testing. Allele origin: germline.
Comment: This sequence change replaces glycine, which is neutral and non-polar, with glutamic acid, which is acidic and polar, at codon 32 of the RUSC2 protein (p.Gly32Glu). In summary, the available evidence is currently insufficient to determine the role of this variant in disease. Therefore, it has been classified as a Variant of Uncertain Significance. Algorithms developed to predict the effect of missense changes on protein structure and function are either unavailable or do not agree on the potential impact of this missense change (SIFT: "Deleterious"; PolyPhen-2: "Probably Damaging"; Align-GVGD: "Class C0"). ClinVar contains an entry for this variant (Variation ID: 1387034). This variant has not been reported in the literature in individuals affected with RUSC2-related conditions. This variant is not present in population databases (gnomAD no frequency).